The following is an entry in ClinVar:

NM_053025.3(MYLK):c.5370_5372delAGA

Genes: MYLK (myosin light chain kinase; minus strand), MYLK-AS1 (MYLK antisense RNA 1; plus strand). Cytogenetic location: 3q21.1.
Variant type: Microsatellite.
Coding change: c.5370_5372delAGA on transcript NM_053025.3; coding-DNA positions 5370 to 5372, 3 bases deleted (AGA).
Molecular consequence: splice acceptor variant (on NM_001438035.1).
Genome position (GRCh38, 1-based): chr3:123,618,767-123,618,769, TCT deleted on the plus strand (AGA on the coding strand, the reverse complement: MYLK is on the minus strand); deleting any 3 consecutive bases within chr3:123,618,767-123,618,772 gives the same sequence; the c. name uses the placement nearest the transcript's 3' end. VCF-style (leftmost placement, unchanged base first): chr3-123618766-ATCT-A. GRCh37 (hg19) VCF-style: chr3-123337613-ATCT-A.
Other names: c.89-2_89del (NM_001438035.1, NM_053031.4).
Identifiers: ClinVar variation 917687 (VCV000917687.3), dbSNP rs749876595, ClinGen allele CA072895.

ClinVar aggregate classification (germline): Conflicting classifications of pathogenicity. Review status: criteria provided, conflicting classifications (1 of 4 stars). 2 submissions from 2 submitters: Uncertain significance (1); Likely benign (1). Last evaluated 2026-01-05.

Conditions:
Aortic aneurysm, familial thoracic 7 (AAT7). Also called: AORTIC DISSECTION, FAMILIAL, WITH OR WITHOUT AORTIC ANEURYSM. Identifiers: MedGen C3151077, MONDO:0013418, OMIM 613780.

Submissions (2):

Labcorp Genetics (formerly Invitae), Labcorp
Classification: Uncertain significance for Aortic aneurysm, familial thoracic 7. Last evaluated: 2026-01-05. Review status: criteria provided, single submitter. Criteria: Invitae Variant Classification Sherloc (09022015). Collection method: clinical testing. Allele origin: germline.
Comment: This variant, c.5370_5372del, results in the deletion of 1 amino acid(s) of the MYLK protein (p.Glu1790del), but otherwise preserves the integrity of the reading frame. This variant is present in population databases (rs749876595, gnomAD 0.06%). This variant has been observed in individual(s) with brain arteriovenous malformations (PMID: 32848021). Experimental studies and prediction algorithms are not available or were not evaluated, and the functional significance of this variant is currently unknown. In summary, the available evidence is currently insufficient to determine the role of this variant in disease. Therefore, it has been classified as a Variant of Uncertain Significance.

Women's Health and Genetics/Laboratory Corporation of America, LabCorp
Classification: Likely benign. Last evaluated: 2020-02-17. Review status: criteria provided, single submitter. Criteria: LabCorp Variant Classification Summary - May 2015. Collection method: clinical testing. Allele origin: germline.
Comment: Variant summary: MYLK c.5370_5372delAGA (p.Glu1790del) results in an in-frame deletion that is predicted to remove 1 amino acid from the encoded protein. 4/4 computational tools predict no significant impact on normal splicing. However, these predictions have yet to be confirmed by functional studies. The variant allele was found at a frequency of 5.6e-05 in 250946 control chromosomes, predominantly at a frequency of 0.0006 within the East Asian subpopulation in the gnomAD database. The observed variant frequency within East Asian control individuals in the gnomAD database is approximately 24-fold of the estimated maximal expected allele frequency for a pathogenic variant in MYLK causing Aortopathy phenotype (2.5e-05), strongly suggesting that the variant is a benign polymorphism found primarily in populations of East Asian origin. To our knowledge, no occurrence of c.5370_5372delAGA in individuals affected with Aortopathy and no experimental evidence demonstrating its impact on protein function have been reported. No clinical diagnostic laboratories have submitted clinical-significance assessments for this variant to ClinVar after 2014. Based on the evidence outlined above, the variant was classified as likely benign.

Literature cited by the submitters: PubMed 32848021 (cited by Labcorp Genetics (formerly Invitae), Labcorp).